The following is an entry in ClinVar:

ClinVar aggregate classification (germline): Pathogenic (1 of 4 stars; one submission).

Conditions:
Primary ciliary dyskinesia. Also called: Ciliary dyskinesia. Identifiers: Orphanet 244, MedGen C0008780, MONDO:0016575, HP:0012265.

gnomAD v4.1: 4 of 1,608,176 alleles (0.00025%); highest among the groups gnomAD compares: Non-Finnish European, 0.00034%; no homozygotes.

Submission:

Labcorp Genetics (formerly Invitae), Labcorp
Classification: Pathogenic for Primary ciliary dyskinesia. Last evaluated: 2022-03-11. Review status: criteria provided, single submitter. Criteria: Invitae Variant Classification Sherloc (09022015). Collection method: clinical testing. Allele origin: germline.
Comment: This sequence change creates a premature translational stop signal (p.Tyr2231*) in the DNAH11 gene. It is expected to result in an absent or disrupted protein product. Loss-of-function variants in DNAH11 are known to be pathogenic (PMID: 18022865, 20513915, 22184204). This variant is not present in population databases (gnomAD no frequency). This variant has not been reported in the literature in individuals affected with DNAH11-related conditions. Algorithms developed to predict the effect of sequence changes on RNA splicing suggest that this variant may create or strengthen a splice site. For these reasons, this variant has been classified as Pathogenic.

Literature cited by the submitters: PubMed 18022865; PubMed 20513915; PubMed 22184204.

NM_001277115.2(DNAH11):c.6693C>G (p.Tyr2231Ter)

Gene: DNAH11 (dynein axonemal heavy chain 11; plus strand). Cytogenetic location: 7p15.3.
Variant type: single nucleotide variant.
Coding change: c.6693C>G on transcript NM_001277115.2 (MANE Select); coding-DNA position 6693, C replaced by G.
Protein change: p.Tyr2231Ter; replaces tyrosine 2231 with a stop codon.
Molecular consequence: nonsense.
Genome position (GRCh38, 1-based): chr7:21,710,562, C>G. VCF-style: chr7-21710562-C-G. GRCh37 (hg19) VCF-style: chr7-21750180-C-G.
Other names: c.6714C>G, p.Tyr2238Ter (NM_003777.3); short protein forms Y2231*, Y2238*.
Identifiers: ClinVar variation 2037634 (VCV002037634.4), dbSNP rs758391967, ClinGen allele CA366939880.
Genomic context (GRCh38, chr7:21,710,562, plus strand): 5'-AATATCAATCTATCGTAGAAATAAACAGCACTCAACTACATTATATATTAGGATTGTTTA[C>G]TCTTATTTTATAGGTCTCTTCTCATCCATTCTACGAGAACAAGCAAATCTTAAGCATGAT-3'